The following is an entry in ClinVar:

NM_002528.7(NTHL1):c.535A>G (p.Lys179Glu)

Gene: NTHL1 (nth like DNA glycosylase 1; minus strand). Cytogenetic location: 16p13.3.
Variant type: single nucleotide variant.
Coding change: c.535A>G on transcript NM_002528.7 (MANE Select); coding-DNA position 535, A replaced by G.
Protein change: p.Lys179Glu; replaces lysine 179 with glutamic acid.
Molecular consequence: missense variant.
Genome position (GRCh38, 1-based): chr16:2,043,717, T>C on the plus strand (A>G on the coding strand, the complement: NTHL1 is on the minus strand). VCF-style: chr16-2043717-T-C. GRCh37 (hg19) VCF-style: chr16-2093718-T-C.
Other names: c.364A>G, p.Lys122Glu (NM_001318193.2); c.205A>G, p.Lys69Glu (NM_001318194.2); short protein forms K69E, K179E, K122E.
Identifiers: ClinVar variation 2713866 (VCV002713866.3), dbSNP rs2548315259, ClinGen allele CA394292533.

ClinVar aggregate classification (germline): Uncertain significance (1 of 4 stars; one submission).

Submission:

Labcorp Genetics (formerly Invitae), Labcorp
Classification: Uncertain significance. Last evaluated: 2024-01-28. Review status: criteria provided, single submitter. Criteria: Invitae Variant Classification Sherloc (09022015). Collection method: clinical testing. Allele origin: germline.
Comment: This sequence change replaces lysine, which is basic and polar, with glutamic acid, which is acidic and polar, at codon 187 of the NTHL1 protein (p.Lys187Glu). This variant is not present in population databases (gnomAD no frequency). This variant has not been reported in the literature in individuals affected with NTHL1-related conditions. An algorithm developed to predict the effect of missense changes on protein structure and function (PolyPhen-2) suggests that this variant is likely to be tolerated. In summary, the available evidence is currently insufficient to determine the role of this variant in disease. Therefore, it has been classified as a Variant of Uncertain Significance.